The following is an entry in ClinVar:

NM_000240.4(MAOA):c.766A>G (p.Ile256Val)

Gene: MAOA (monoamine oxidase A; plus strand). Cytogenetic location: Xp11.3.
Variant type: single nucleotide variant.
Coding change: c.766A>G on transcript NM_000240.4 (MANE Select); coding-DNA position 766, A replaced by G.
Protein change: p.Ile256Val; replaces isoleucine 256 with valine.
Molecular consequence: missense variant.
Genome position (GRCh38, 1-based): chrX:43,731,361, A>G. VCF-style: chrX-43731361-A-G. GRCh37 (hg19) VCF-style: chrX-43590608-A-G.
Other names: c.766A>G (NM_000240.2); c.367A>G, p.Ile123Val (NM_001270458.2); short protein forms I123V, I256V.
Identifiers: ClinVar variation 1491119 (VCV001491119.9), dbSNP rs2147102887, ClinGen allele CA413006823.

ClinVar aggregate classification (germline): Uncertain significance. Review status: criteria provided, multiple submitters, no conflicts (2 of 4 stars). 2 submissions from 2 submitters: Uncertain significance (2). Last evaluated 2025-02-19.

Conditions:
Brunner syndrome (BRNRS). Identifiers: Orphanet 3057, MedGen C0796275, MONDO:0010379, OMIM 300615.

Submissions (2):

Labcorp Genetics (formerly Invitae), Labcorp
Classification: Uncertain significance for Brunner syndrome. Last evaluated: 2025-02-19. Review status: criteria provided, single submitter. Criteria: Invitae Variant Classification Sherloc (09022015). Collection method: clinical testing. Allele origin: germline.
Comment: This sequence change replaces isoleucine, which is neutral and non-polar, with valine, which is neutral and non-polar, at codon 256 of the MAOA protein (p.Ile256Val). This variant is not present in population databases (gnomAD no frequency). This variant has not been reported in the literature in individuals affected with MAOA-related conditions. ClinVar contains an entry for this variant (Variation ID: 1491119). Invitae Evidence Modeling of protein sequence and biophysical properties (such as structural, functional, and spatial information, amino acid conservation, physicochemical variation, residue mobility, and thermodynamic stability) indicates that this missense variant is not expected to disrupt MAOA protein function with a negative predictive value of 80%. In summary, the available evidence is currently insufficient to determine the role of this variant in disease. Therefore, it has been classified as a Variant of Uncertain Significance.

GeneDx
Classification: Uncertain significance. Last evaluated: 2023-05-15. Review status: criteria provided, single submitter. Criteria: GeneDx Variant Classification Process June 2021. Collection method: clinical testing. Allele origin: germline. Affected: yes.
Comment: Not observed at significant frequency in large population cohorts (gnomAD); In silico analysis supports that this missense variant does not alter protein structure/function; Has not been previously published as pathogenic or benign to our knowledge